The following is an entry in ClinVar:

ClinVar aggregate classification (germline): Uncertain significance. Review status: criteria provided, multiple submitters, no conflicts (2 of 4 stars). 2 submissions from 2 submitters: Uncertain significance (2). Last evaluated 2022-07-30.

Conditions:
Inborn genetic diseases. Identifiers: MedGen C0950123, MeSH D030342.

Allele frequency attached by ClinVar (database versions not stated): gnomAD exomes below 0.00001.
gnomAD v4.1: 2 of 1,614,014 alleles (0.00012%); highest among the groups gnomAD compares: Non-Finnish European, 0.00017%; no homozygotes.

Submissions (2):

Labcorp Genetics (formerly Invitae), Labcorp
Classification: Uncertain significance. Last evaluated: 2022-07-30. Review status: criteria provided, single submitter. Criteria: Invitae Variant Classification Sherloc (09022015). Collection method: clinical testing. Allele origin: germline.
Comment: In summary, the available evidence is currently insufficient to determine the role of this variant in disease. Therefore, it has been classified as a Variant of Uncertain Significance. Algorithms developed to predict the effect of missense changes on protein structure and function (SIFT, PolyPhen-2, Align-GVGD) all suggest that this variant is likely to be tolerated. This variant has not been reported in the literature in individuals affected with POP1-related conditions. This variant is not present in population databases (gnomAD no frequency). This sequence change replaces lysine, which is basic and polar, with threonine, which is neutral and polar, at codon 750 of the POP1 protein (p.Lys750Thr).

Ambry Genetics
Classification: Uncertain significance for Inborn genetic diseases. Last evaluated: 2021-12-21. Review status: criteria provided, single submitter. Criteria: Ambry Variant Classification Scheme 2023. Collection method: clinical testing. Allele origin: germline.

NM_001145860.2(POP1):c.2249A>C (p.Lys750Thr)

Gene: POP1 (POP1 ribonuclease P/MRP subunit; plus strand). Cytogenetic location: 8q22.2.
Variant type: single nucleotide variant.
Coding change: c.2249A>C on transcript NM_001145860.2 (MANE Select); coding-DNA position 2249, A replaced by C.
Protein change: p.Lys750Thr; replaces lysine 750 with threonine.
Molecular consequence: missense variant.
Genome position (GRCh38, 1-based): chr8:98,156,241, A>C. VCF-style: chr8-98156241-A-C. GRCh37 (hg19) VCF-style: chr8-99168469-A-C.
Other names: c.2249A>C, p.Lys750Thr (NM_001145861.2, NM_015029.3); short protein forms K750T.
Identifiers: ClinVar variation 1938859 (VCV001938859.6), dbSNP rs2488098897, ClinGen allele CA371774392.